The following is an entry in ClinVar:

NM_016222.4(DDX41):c.1106G>A (p.Arg369Gln)

Gene: DDX41 (DEAD-box helicase 41; minus strand). Cytogenetic location: 5q35.3.
Variant type: single nucleotide variant.
Coding change: c.1106G>A on transcript NM_016222.4 (MANE Select); coding-DNA position 1106, G replaced by A.
Protein change: p.Arg369Gln; replaces arginine 369 with glutamine.
Molecular consequence: missense variant.
Genome position (GRCh38, 1-based): chr5:177,513,477, C>T on the plus strand (G>A on the coding strand, the complement: DDX41 is on the minus strand). VCF-style: chr5-177513477-C-T. GRCh37 (hg19) VCF-style: chr5-176940478-C-T.
Other names: c.728G>A, p.Arg243Gln (NM_001321830.2, NM_001321732.2); c.1106G>A (NM_016222.2); short protein forms R243Q, R369Q.
Identifiers: ClinVar variation 2500226 (VCV002500226.3), dbSNP rs1761077648, ClinGen allele CA362374063.

ClinVar aggregate classification (germline): Uncertain significance. Review status: criteria provided, multiple submitters, no conflicts (2 of 4 stars). 3 submissions from 3 submitters: Uncertain significance (2). 1 of the submissions does not count toward it. Last evaluated 2025-05-28.

Conditions:
DDX41-related hematologic malignancy predisposition syndrome. Also called: DDX41-Associated Familial Myelodysplastic Syndrome and Acute Myeloid Leukemia; Myeloproliferative/lymphoproliferative neoplasms, familial (multiple types), susceptibility to. Identifiers: Orphanet 488647, MedGen C4225174, MONDO:0014809, OMIM 616871.
Inborn genetic diseases. Identifiers: MedGen C0950123, MeSH D030342.

Allele frequency attached by ClinVar (database versions not stated): gnomAD exomes below 0.00001; TOPMed 0.00001.
gnomAD v4.1: 2 of 1,614,134 alleles (0.00012%); highest among the groups gnomAD compares: South Asian, 0.0011%; no homozygotes.

Submissions (3):

Ambry Genetics
Classification: Uncertain significance for Inborn genetic diseases. Last evaluated: 2025-05-28. Review status: criteria provided, single submitter. Criteria: Ambry Variant Classification Scheme 2023. Collection method: clinical testing. Allele origin: germline.
Comment: The p.R369Q variant (also known as c.1106G>A), located in coding exon 11 of the DDX41 gene, results from a G to A substitution at nucleotide position 1106. The arginine at codon 369 is replaced by glutamine, an amino acid with highly similar properties. This amino acid position is highly conserved in available vertebrate species. In addition, this alteration is predicted to be tolerated by in silico analysis. Based on the available evidence, the clinical significance of this variant remains unclear.

GeneDx
Classification: Uncertain significance. Last evaluated: 2023-11-21. Review status: criteria provided, single submitter. Criteria: GeneDx Variant Classification Process June 2021. Collection method: clinical testing. Allele origin: germline. Affected: yes.
Comment: Not observed at significant frequency in large population cohorts (gnomAD); In silico analysis supports that this missense variant has a deleterious effect on protein structure/function; Has not been previously published as pathogenic or benign to our knowledge; This variant is associated with the following publications: (PMID: 27721487)

Clinical Genomics Labs, University Health Network
Classification: Uncertain significance for DDX41-related hematologic malignancy predisposition syndrome. Last evaluated: 2022-11-22. Review status: no assertion criteria provided. Criteria: ACMG Guidelines, 2015. Collection method: clinical testing. Allele origin: germline. Affected: yes. Not counted in ClinVar's aggregate classification.